The following is an entry in ClinVar:

NM_015662.3(IFT172):c.2293G>A (p.Asp765Asn)

Gene: IFT172 (intraflagellar transport 172; minus strand). Cytogenetic location: 2p23.3.
Variant type: single nucleotide variant.
Coding change: c.2293G>A on transcript NM_015662.3 (MANE Select); coding-DNA position 2293, G replaced by A.
Protein change: p.Asp765Asn; replaces aspartic acid 765 with asparagine.
Molecular consequence: missense variant.
Genome position (GRCh38, 1-based): chr2:27,461,418, C>T on the plus strand (G>A on the coding strand, the complement: IFT172 is on the minus strand). VCF-style: chr2-27461418-C-T. GRCh37 (hg19) VCF-style: chr2-27684285-C-T.
Other names: short protein forms D765N.
Identifiers: ClinVar variation 970065 (VCV000970065.11), dbSNP rs367874978, ClinGen allele CA44498044.

ClinVar aggregate classification (germline): Uncertain significance. Review status: criteria provided, multiple submitters, no conflicts (2 of 4 stars). 3 submissions from 3 submitters: Uncertain significance (3). Last evaluated 2026-08-06.

Conditions:
IFT172-related disorder. Also called: IFT172-related disorders; IFT172-related condition.
Short-rib thoracic dysplasia 10 with or without polydactyly (SRTD10). Identifiers: Orphanet 474, MedGen C3810175, MONDO:0014284, OMIM 615630.
Retinitis pigmentosa 71 (RP71). Identifiers: Orphanet 791, MedGen C4225342, MONDO:0014618, OMIM 616394.

Allele frequency attached by ClinVar (database versions not stated): gnomAD exomes below 0.00001; gnomAD 0.00001; TOPMed 0.00002; ESP Exome Variant Server 0.00008.
gnomAD v4.1: 19 of 1,614,050 alleles (0.0012%); highest among the groups gnomAD compares: Non-Finnish European, 0.0016%; no homozygotes.

Submissions (3):

PreventionGenetics, part of Exact Sciences
Classification: Uncertain significance for IFT172-related condition. Last evaluated: 2026-08-06. Review status: criteria provided, single submitter. Criteria: ACMG Guidelines, 2015. Collection method: clinical testing. Allele origin: germline.
Comment: The IFT172 c.2293G>A variant is predicted to result in the amino acid substitution p.Asp765Asn. To our knowledge, this variant has not been reported in the literature. This variant is reported in 0.0016% of alleles in individuals of European (Non-Finnish) descent in gnomAD. At this time, the clinical significance of this variant is uncertain due to the absence of conclusive functional and genetic evidence.

Labcorp Genetics (formerly Invitae), Labcorp
Classification: Uncertain significance for Retinitis pigmentosa 71; Short-rib thoracic dysplasia 10 with or without polydactyly. Last evaluated: 2025-04-28. Review status: criteria provided, single submitter. Criteria: Invitae Variant Classification Sherloc (09022015). Collection method: clinical testing. Allele origin: germline.
Comment: This sequence change replaces aspartic acid, which is acidic and polar, with asparagine, which is neutral and polar, at codon 765 of the IFT172 protein (p.Asp765Asn). This variant is present in population databases (rs367874978, gnomAD 0.002%). This variant has not been reported in the literature in individuals affected with IFT172-related conditions. ClinVar contains an entry for this variant (Variation ID: 970065). Invitae Evidence Modeling of protein sequence and biophysical properties (such as structural, functional, and spatial information, amino acid conservation, physicochemical variation, residue mobility, and thermodynamic stability) indicates that this missense variant is not expected to disrupt IFT172 protein function with a negative predictive value of 95%. In summary, the available evidence is currently insufficient to determine the role of this variant in disease. Therefore, it has been classified as a Variant of Uncertain Significance.

Blueprint Genetics
Classification: Uncertain significance. Last evaluated: 2024-10-11. Review status: criteria provided, single submitter. Criteria: ACMG Guidelines, 2015. Collection method: clinical testing. Allele origin: germline.